The following is an entry in ClinVar:

NM_144997.7(FLCN):c.31T>A (p.Cys11Ser)

Gene: FLCN (folliculin; minus strand). Cytogenetic location: 17p11.2.
Variant type: single nucleotide variant.
Coding change: c.31T>A on transcript NM_144997.7 (MANE Select); coding-DNA position 31, T replaced by A.
Protein change: p.Cys11Ser; replaces cysteine 11 with serine.
Molecular consequence: missense variant.
Genome position (GRCh38, 1-based): chr17:17,228,107, A>T on the plus strand (T>A on the coding strand, the complement: FLCN is on the minus strand). VCF-style: chr17-17228107-A-T. GRCh37 (hg19) VCF-style: chr17-17131421-A-T.
Other names: c.31T>A (LRG_325t1); c.31T>A, p.Cys11Ser (NM_001353229.2, NM_001353230.2, NM_001353231.2 and 1 more transcripts); short protein forms C11S.
Identifiers: ClinVar variation 253227 (VCV000253227.2), dbSNP rs879255659, ClinGen allele CA10586273.

ClinVar aggregate classification (germline): Uncertain significance (1 of 4 stars; one submission).

Conditions:
Birt-Hogg-Dube syndrome. Also called: Birt Hogg Dubé syndrome. Identifiers: Orphanet 122, MedGen C0346010, MONDO:0800444.

Submission:

Genomic Diagnostic Laboratory, Division of Genomic Diagnostics, Children's Hospital of Philadelphia
Classification: Uncertain significance for Birt-Hogg-Dube Syndrome. Last evaluated: 2016-07-18. Review status: criteria provided, single submitter. Criteria: DGD Variant Analysis Guidelines. Collection method: clinical testing. Allele origin: germline. Observed: 1 variant allele.
Comment: Clinical Testing